The following is an entry in ClinVar:

ClinVar aggregate classification (germline): Uncertain significance (1 of 4 stars; one submission).

Submission:

GeneDx
Classification: Uncertain significance. Last evaluated: 2026-07-10. Review status: criteria provided, single submitter. Criteria: GeneDx Variant Classification Process June 2021. Collection method: clinical testing. Allele origin: germline.
Comment: Not observed at significant frequency in large population cohorts (gnomAD); In silico analysis supports that this missense variant has a deleterious effect on protein structure/function; Has not been previously published as pathogenic or benign to our knowledge

NM_001659.3(ARF3):c.445C>A (p.Arg149Ser)

Gene: ARF3 (ARF GTPase 3; minus strand). Cytogenetic location: 12q13.12.
Variant type: single nucleotide variant.
Coding change: c.445C>A on transcript NM_001659.3 (MANE Select); coding-DNA position 445, C replaced by A.
Protein change: p.Arg149Ser; replaces arginine 149 with serine.
Molecular consequence: missense variant.
Genome position (GRCh38, 1-based): chr12:48,939,048, G>T on the plus strand (C>A on the coding strand, the complement: ARF3 is on the minus strand). VCF-style: chr12-48939048-G-T. GRCh37 (hg19) VCF-style: chr12-49332831-G-T.
Other names: c.445C>A, p.Arg149Ser (NM_001412914.1, NM_001412915.1, NM_001412916.1 and 6 more transcripts); c.334C>A, p.Arg112Ser (NM_001412932.1); short protein forms R112S, R149S.
Identifiers: ClinVar variation 3360894 (VCV003360894.2).